The following is an entry in ClinVar:

NM_000426.4(LAMA2):c.5969-1G>C

Gene: LAMA2 (laminin subunit alpha 2; plus strand). Cytogenetic location: 6q22.33.
Variant type: single nucleotide variant.
Coding change: c.5969-1G>C on transcript NM_000426.4 (MANE Select); the canonical splice acceptor site of the intron before coding-DNA position 5969, G replaced by C.
Molecular consequence: splice acceptor variant.
Genome position (GRCh38, 1-based): chr6:129,438,645, G>C. VCF-style: chr6-129438645-G-C. GRCh37 (hg19) VCF-style: chr6-129759790-G-C.
Other names: c.5969-1G>C (NM_001079823.2).
Identifiers: ClinVar variation 952684 (VCV000952684.8), dbSNP rs1781951075, ClinGen allele CA365627418.

ClinVar aggregate classification (germline): Likely pathogenic (1 of 4 stars; one submission).

Conditions:
LAMA2-related muscular dystrophy (LAMA2-RD). Also called: Laminin alpha 2-related dystrophy. Identifiers: MedGen C5679788, MONDO:0100228.

Submission:

Labcorp Genetics (formerly Invitae), Labcorp
Classification: Likely pathogenic for LAMA2-related muscular dystrophy. Last evaluated: 2019-06-05. Review status: criteria provided, single submitter. Criteria: Invitae Variant Classification Sherloc (09022015). Collection method: clinical testing. Allele origin: germline.
Comment: In summary, the currently available evidence indicates that the variant is pathogenic, but additional data are needed to prove that conclusively. Therefore, this variant has been classified as Likely Pathogenic. Donor and acceptor splice site variants typically lead to a loss of protein function (PMID: 16199547), and loss-of-function variants in LAMA2 are known to be pathogenic (PMID: 18700894). Algorithms developed to predict the effect of sequence changes on RNA splicing suggest that this variant may disrupt the consensus splice site, but this prediction has not been confirmed by published transcriptional studies. This variant has not been reported in the literature in individuals with LAMA2-related conditions. This variant is not present in population databases (ExAC no frequency). This sequence change affects an acceptor splice site in intron 41 of the LAMA2 gene. It is expected to disrupt RNA splicing and likely results in an absent or disrupted protein product.

Literature cited by the submitters: PubMed 16199547; PubMed 18700894.